The following is an entry in ClinVar:

ClinVar aggregate classification (germline): Uncertain significance (1 of 4 stars; one submission).

gnomAD v4.1: 1 of 1,614,126 alleles (0.000062%); no homozygotes.

Submission:

Labcorp Genetics (formerly Invitae), Labcorp
Classification: Uncertain significance. Last evaluated: 2021-09-02. Review status: criteria provided, single submitter. Criteria: Invitae Variant Classification Sherloc (09022015). Collection method: clinical testing. Allele origin: germline.
Comment: This sequence change replaces arginine with serine at codon 255 of the TANGO2 protein (p.Arg255Ser). The arginine residue is highly conserved and there is a moderate physicochemical difference between arginine and serine. This variant is not present in population databases (ExAC no frequency). This variant has not been reported in the literature in individuals affected with TANGO2-related conditions. Algorithms developed to predict the effect of missense changes on protein structure and function are either unavailable or do not agree on the potential impact of this missense change (SIFT: "Not Available"; PolyPhen-2: "Probably Damaging"; Align-GVGD: "Not Available"). In summary, the available evidence is currently insufficient to determine the role of this variant in disease. Therefore, it has been classified as a Variant of Uncertain Significance.

NM_152906.7(TANGO2):c.763C>A (p.Arg255Ser)

Gene: TANGO2 (transport and golgi organization 2 homolog; plus strand). Cytogenetic location: 22q11.21.
Variant type: single nucleotide variant.
Coding change: c.763C>A on transcript NM_152906.7 (MANE Select); coding-DNA position 763, C replaced by A.
Protein change: p.Arg255Ser; replaces arginine 255 with serine.
Molecular consequence: missense variant. On other transcripts: 3 prime UTR variant (7), non-coding transcript variant (5).
Genome position (GRCh38, 1-based): chr22:20,064,594, C>A. VCF-style: chr22-20064594-C-A. GRCh37 (hg19) VCF-style: chr22-20052117-C-A.
Other names: c.763C>A, p.Arg255Ser (NM_001283106.3, NM_001283116.3); c.886C>A, p.Arg296Ser (NM_001283129.3, NM_001322143.2); c.*2C>A (NM_001283148.3, NM_001283154.3, NM_001322144.2 and 2 more transcripts); c.577C>A, p.Arg193Ser (NM_001283179.3, NM_001283186.3, NM_001322163.2 and 2 more transcripts); c.538C>A, p.Arg180Ser (NM_001283199.3); c.*30C>A (NM_001283215.3); c.469C>A, p.Arg157Ser (NM_001283235.3, NM_001322171.2, NM_001322172.2 and 3 more transcripts); c.*99C>A (NM_001283248.3); and 6 more; short protein forms R221S, R234S, R273S, R209S, R157S, R307S, R348S, R180S.
Identifiers: ClinVar variation 1488046 (VCV001488046.3), dbSNP rs201237746, ClinGen allele CA410700578.